The following is an entry in ClinVar:

ClinVar aggregate classification (germline): Likely benign (1 of 4 stars; one submission).

Submission:

CeGaT Center for Human Genetics Tuebingen
Classification: Likely benign. Last evaluated: 2026-07-01. Review status: criteria provided, single submitter. Criteria: CeGaT Center For Human Genetics Tuebingen Variant Classification Criteria Version 2. Collection method: clinical testing. Allele origin: germline. Affected: yes. Observed: 1 variant allele.
Comment: SPEG: PM2:Supporting, BP4, BP7

NM_005876.5(SPEG):c.8874A>C (p.Arg2958=)

Genes: ASIC4-AS1 (ASIC4 antisense RNA 1; minus strand), SPEG (striated muscle enriched protein kinase; plus strand). Cytogenetic location: 2q35.
Variant type: single nucleotide variant.
Coding change: c.8874A>C on transcript NM_005876.5 (MANE Select); coding-DNA position 8874, A replaced by C.
Protein change: p.Arg2958=; no amino-acid change (arginine 2958 retained).
Molecular consequence: synonymous variant.
Genome position (GRCh38, 1-based): chr2:219,489,892, A>C. VCF-style: chr2-219489892-A-C. GRCh37 (hg19) VCF-style: chr2-220354614-A-C.
Identifiers: ClinVar variation 5039845 (VCV005039845.1).